The following is an entry in ClinVar:

NM_001009944.3(PKD1):c.5125G>A (p.Asp1709Asn)

Gene: PKD1 (polycystin 1, transient receptor potential channel interacting; minus strand). Cytogenetic location: 16p13.3.
Variant type: single nucleotide variant.
Coding change: c.5125G>A on transcript NM_001009944.3 (MANE Select); coding-DNA position 5125, G replaced by A.
Protein change: p.Asp1709Asn; replaces aspartic acid 1709 with asparagine.
Molecular consequence: missense variant.
Genome position (GRCh38, 1-based): chr16:2,110,042, C>T on the plus strand (G>A on the coding strand, the complement: PKD1 is on the minus strand). VCF-style: chr16-2110042-C-T. GRCh37 (hg19) VCF-style: chr16-2160043-C-T.
Other names: c.5125G>A, p.Asp1709Asn (NM_000296.4); c.5125G>A (NM_001009944.2); short protein forms D1709N.
Identifiers: ClinVar variation 586280 (VCV000586280.3), dbSNP rs1199050207, ClinGen allele CA394378172.
Genomic context (GRCh38, chr16:2,110,042, plus strand): 5'-GGTTCGGGGAGGCGGCCACCATCAGCCACCCCACAGGCTCCACGAAGTCCATGGTGCAGT[C>T]GGCCCAGGCGCTGCCCAGCATGTTGGTGGCCCGCAGCTGCACATGGTAGGTGCCGGCCTC-3'
Protein context (NP_001009944.3, residues 1699-1719): ATNMLGSAWA[Asp1709Asn]CTMDFVEPVG

ClinVar aggregate classification (germline): Uncertain significance. Review status: criteria provided, multiple submitters, no conflicts (2 of 4 stars). 3 submissions from 3 submitters: Uncertain significance (3). Last evaluated 2026-06-15.

Conditions:
PKD1-related disorder. Also called: PKD1-related condition.
Polycystic kidney disease, adult type (PKD1). Also called: Polycystic Kidney, Autosomal Dominant; Polycystic Kidney Disease 1, Autosomal Dominant; Polycystic kidney disease 1; Polycystic kidney disease 1, severe; POLYCYSTIC KIDNEY DISEASE, ADULT, TYPE I; POLYCYSTIC KIDNEY DISEASE 1 WITH OR WITHOUT POLYCYSTIC LIVER DISEASE. Identifiers: MedGen C3149841, MONDO:0008263, OMIM 173900.

Allele frequency attached by ClinVar (database versions not stated): gnomAD exomes below 0.00001 and 0.00001; gnomAD 0.00001; TOPMed 0.00001.
gnomAD v4.1: 10 of 1,610,262 alleles (0.00062%); highest among the groups gnomAD compares: Middle Eastern, 0.022%; no homozygotes.

Submissions (3):

PreventionGenetics, part of Exact Sciences
Classification: Uncertain significance for PKD1-related condition. Last evaluated: 2026-06-15. Review status: criteria provided, single submitter. Criteria: ACMG Guidelines, 2015. Collection method: clinical testing. Allele origin: germline.
Comment: The PKD1 c.5125G>A variant is predicted to result in the amino acid substitution p.Asp1709Asn. To our knowledge, this variant has not been reported in the literature. This variant is reported in 0.0082% of alleles in individuals of African descent in gnomAD. At this time, the clinical significance of this variant is uncertain due to the absence of conclusive functional and genetic evidence.

Fulgent Genetics
Classification: Uncertain significance for Polycystic kidney disease, adult type. Last evaluated: 2022-05-04. Review status: criteria provided, single submitter. Criteria: ACMG Guidelines, 2015. Collection method: clinical testing. Allele origin: unknown.

Athena Diagnostics
Classification: Uncertain significance. Last evaluated: 2018-06-04. Review status: criteria provided, single submitter. Criteria: Athena Diagnostics Criteria. Collection method: clinical testing. Allele origin: germline.